The following is an entry in ClinVar:

NM_000388.4(CASR):c.1127G>T (p.Gly376Val)

Gene: CASR (calcium sensing receptor; plus strand). Cytogenetic location: 3q21.1.
Variant type: single nucleotide variant.
Coding change: c.1127G>T on transcript NM_000388.4 (MANE Select); coding-DNA position 1127, G replaced by T.
Protein change: p.Gly376Val; replaces glycine 376 with valine.
Molecular consequence: missense variant.
Genome position (GRCh38, 1-based): chr3:122,262,162, G>T. VCF-style: chr3-122262162-G-T. GRCh37 (hg19) VCF-style: chr3-121981009-G-T.
Other names: c.1127G>T, p.Gly376Val (NM_001178065.2); short protein forms G376V.
Identifiers: ClinVar variation 848355 (VCV000848355.12), dbSNP rs2074634579, ClinGen allele CA354152646.

ClinVar aggregate classification (germline): Uncertain significance. Review status: criteria provided, multiple submitters, no conflicts (2 of 4 stars). 2 submissions from 2 submitters: Uncertain significance (2). Last evaluated 2024-04-22.

Conditions:
Autosomal dominant hypocalcemia 1 (HYPOC1). Also called: HYPOCALCEMIA, FAMILIAL. Identifiers: MedGen C3715128, MONDO:0011013, OMIM 601198.
Familial hypocalciuric hypercalcemia (FHH). Also called: Familial benign hypercalcemia. Identifiers: Orphanet 405, MedGen C1809471, MONDO:0018458.
Nephrolithiasis/nephrocalcinosis. Identifiers: MedGen CN580796.

Allele frequency attached by ClinVar (database versions not stated): gnomAD exomes below 0.00001.
gnomAD v4.1: 1 of 1,614,186 alleles (0.000062%); highest among the groups gnomAD compares: Admixed American, 0.0017%; no homozygotes.

Submissions (2):

Labcorp Genetics (formerly Invitae), Labcorp
Classification: Uncertain significance for Familial hypocalciuric hypercalcemia; Autosomal dominant hypocalcemia 1. Last evaluated: 2024-04-22. Review status: criteria provided, single submitter. Criteria: Invitae Variant Classification Sherloc (09022015). Collection method: clinical testing. Allele origin: germline.
Comment: This sequence change replaces glycine, which is neutral and non-polar, with valine, which is neutral and non-polar, at codon 376 of the CASR protein (p.Gly376Val). This variant is not present in population databases (gnomAD no frequency). This variant has not been reported in the literature in individuals affected with CASR-related conditions. ClinVar contains an entry for this variant (Variation ID: 848355). An algorithm developed to predict the effect of missense changes on protein structure and function (PolyPhen-2) suggests that this variant is likely to be tolerated. In summary, the available evidence is currently insufficient to determine the role of this variant in disease. Therefore, it has been classified as a Variant of Uncertain Significance.

Ambry Genetics
Classification: Uncertain significance for Nephrolithiasis/nephrocalcinosis. Last evaluated: 2022-04-21. Review status: criteria provided, single submitter. Criteria: Ambry Variant Classification Scheme 2023. Collection method: clinical testing. Allele origin: germline.
Comment: The p.G376V variant (also known as c.1127G>T), located in coding exon 3 of the CASR gene, results from a G to T substitution at nucleotide position 1127. The glycine at codon 376 is replaced by valine, an amino acid with dissimilar properties. This amino acid position is conserved. In addition, this alteration is predicted to be tolerated by in silico analysis. Since supporting evidence is limited at this time, the clinical significance of this alteration remains unclear.